The following is an entry in ClinVar:

NM_152703.5(SAMD9L):c.3509C>G (p.Thr1170Ser)

Gene: SAMD9L (sterile alpha motif domain containing 9 like; minus strand). Cytogenetic location: 7q21.2.
Variant type: single nucleotide variant.
Coding change: c.3509C>G on transcript NM_152703.5 (MANE Select); coding-DNA position 3509, C replaced by G.
Protein change: p.Thr1170Ser; replaces threonine 1170 with serine.
Molecular consequence: missense variant.
Genome position (GRCh38, 1-based): chr7:93,132,463, G>C on the plus strand (C>G on the coding strand, the complement: SAMD9L is on the minus strand). VCF-style: chr7-93132463-G-C. GRCh37 (hg19) VCF-style: chr7-92761776-G-C.
Other names: c.3509C>G, p.Thr1170Ser (NM_001303496.3, NM_001303497.3, NM_001303498.3 and 5 more transcripts); short protein forms T1170S.
Identifiers: ClinVar variation 3949848 (VCV003949848.1).
Genomic context (GRCh38, chr7:93,132,463, plus strand): 5'-TCATATCGTCTCTGGGACTTCTGTGGTGACCAGTTCTCGGTTTCATAGTTTTTACTATCA[G>C]TTTGCCTTTGGGATTCTTTGAAAGCTCTTGAGGCTTTTTCCGCAGCTTCTAGGAGATGTG-3'
Protein context (NP_689916.2, residues 1160-1180): SRAFKESQRQ[Thr1170Ser]DSKNYETENW

ClinVar aggregate classification (germline): Uncertain significance (1 of 4 stars; one submission).

Conditions:
Inborn genetic diseases. Identifiers: MedGen C0950123, MeSH D030342.

Submission:

Ambry Genetics
Classification: Uncertain significance for Inborn genetic diseases. Last evaluated: 2025-04-17. Review status: criteria provided, single submitter. Criteria: Ambry Variant Classification Scheme 2023. Collection method: clinical testing. Allele origin: germline.
Comment: The p.T1170S variant (also known as c.3509C>G), located in coding exon 1 of the SAMD9L gene, results from a C to G substitution at nucleotide position 3509. The threonine at codon 1170 is replaced by serine, an amino acid with similar properties. This amino acid position is conserved. In addition, this alteration is predicted to be tolerated by in silico analysis. Based on the available evidence, the clinical significance of this variant remains unclear.